The following is an entry in ClinVar:

ClinVar aggregate classification (germline): Uncertain significance (1 of 4 stars; one submission).

Conditions:
Autism, susceptibility to, X-linked 2 (AUTSX2). Also called: Autism susceptibility, X-linked 2. Identifiers: MedGen C1845539, MONDO:0010341, OMIM 300495.

Submission:

Juno Genomics, Hangzhou Juno Genomics, Inc
Classification: Uncertain significance for Autism, susceptibility to, X-linked 2. Review status: criteria provided, single submitter. Criteria: ACMG Guidelines, 2015. Collection method: clinical testing. Allele origin: germline. Affected: yes.
Comment: Absent from controls (or at extremely low frequency if recessive) in Genome Aggregation Database, Exome Sequencing Project, 1000 Genomes Project, or Exome Aggregation Consortium.;Patient's phenotype or family history is highly specific for a disease with a single genetic etiology.

NM_181332.3(NLGN4X):c.980T>A (p.Ile327Asn)

Gene: NLGN4X (neuroligin 4 X-linked; minus strand). Cytogenetic location: Xp22.32.
Variant type: single nucleotide variant.
Coding change: c.980T>A on transcript NM_181332.3 (MANE Select); coding-DNA position 980, T replaced by A.
Protein change: p.Ile327Asn; replaces isoleucine 327 with asparagine.
Molecular consequence: missense variant.
Genome position (GRCh38, 1-based): chrX:5,903,698, A>T on the plus strand (T>A on the coding strand, the complement: NLGN4X is on the minus strand). VCF-style: chrX-5903698-A-T. GRCh37 (hg19) VCF-style: chrX-5821739-A-T.
Other names: c.980T>A, p.Ile327Asn (NM_001282145.2, NM_001282146.2, NM_020742.4); short protein forms I327N.
Identifiers: ClinVar variation 3382643 (VCV003382643.2).